The following is an entry in ClinVar:

NM_182916.3(TRNT1):c.631A>C (p.Lys211Gln)

Gene: TRNT1 (tRNA nucleotidyl transferase 1; plus strand). Cytogenetic location: 3p26.2.
Variant type: single nucleotide variant.
Coding change: c.631A>C on transcript NM_182916.3 (MANE Select); coding-DNA position 631, A replaced by C.
Protein change: p.Lys211Gln; replaces lysine 211 with glutamine.
Molecular consequence: missense variant. On other transcripts: non-coding transcript variant (6).
Genome position (GRCh38, 1-based): chr3:3,146,452, A>C. VCF-style: chr3-3146452-A-C. GRCh37 (hg19) VCF-style: chr3-3188136-A-C.
Other names: c.631A>C, p.Lys211Gln (NM_001302946.2, NM_001367321.1, NM_001367322.1 and 1 more transcripts); short protein forms K211Q.
Identifiers: ClinVar variation 971142 (VCV000971142.6), dbSNP rs372027157, ClinGen allele CA2228746.
Genomic context (GRCh38, chr3:3,146,452, plus strand): 5'-ATATAGAGGTAATACCCTGTGAAGATTTTGTCTTGTAGGTTTTATGGGAGAATTGTAGAC[A>C]AACCTGGTGACCATGATCCTGAGACTTTGGAAGCAATTGCAGAAAATGCAAAAGGCTTGG-3'
Protein context (NP_886552.3, residues 201-221): YFRFYGRIVD[Lys211Gln]PGDHDPETLE

ClinVar aggregate classification (germline): Uncertain significance. Review status: criteria provided, multiple submitters, no conflicts (2 of 4 stars). 3 submissions from 3 submitters: Uncertain significance (3). Last evaluated 2024-08-13.

Conditions:
Inborn genetic diseases. Identifiers: MedGen C0950123, MeSH D030342.
Congenital sideroblastic anemia-B-cell immunodeficiency-periodic fever-developmental delay syndrome. Also called: Sideroblastic anemia with B-cell immunodeficiency, periodic fevers, and developmental delay. Identifiers: Orphanet 369861, MedGen C4015172, MONDO:0014487, OMIM 616084.

Allele frequency attached by ClinVar (database versions not stated): gnomAD exomes below 0.00001 and 0.00001; ExAC 0.00001; ESP Exome Variant Server 0.00008.
gnomAD v4.1: 12 of 1,612,478 alleles (0.00074%); highest among the groups gnomAD compares: Non-Finnish European, 0.00076%; no homozygotes.

Submissions (3):

GeneDx
Classification: Uncertain significance. Last evaluated: 2024-08-13. Review status: criteria provided, single submitter. Criteria: GeneDx Variant Classification Process June 2021. Collection method: clinical testing. Allele origin: germline. Affected: yes.
Comment: Not observed at significant frequency in large population cohorts (gnomAD); In silico analysis indicates that this missense variant does not alter protein structure/function; Has not been previously published as pathogenic or benign to our knowledge

Ambry Genetics
Classification: Uncertain significance for Inborn genetic diseases. Last evaluated: 2024-02-28. Review status: criteria provided, single submitter. Criteria: Ambry Variant Classification Scheme 2023. Collection method: clinical testing. Allele origin: germline.

Labcorp Genetics (formerly Invitae), Labcorp
Classification: Uncertain significance for Congenital sideroblastic anemia-B-cell immunodeficiency-periodic fever-developmental delay syndrome. Last evaluated: 2022-04-30. Review status: criteria provided, single submitter. Criteria: Invitae Variant Classification Sherloc (09022015). Collection method: clinical testing. Allele origin: germline.
Comment: This sequence change replaces lysine, which is basic and polar, with glutamine, which is neutral and polar, at codon 211 of the TRNT1 protein (p.Lys211Gln). This variant is present in population databases (rs372027157, gnomAD 0.0009%). This variant has not been reported in the literature in individuals affected with TRNT1-related conditions. ClinVar contains an entry for this variant (Variation ID: 971142). Algorithms developed to predict the effect of missense changes on protein structure and function (SIFT, PolyPhen-2, Align-GVGD) all suggest that this variant is likely to be tolerated. In summary, the available evidence is currently insufficient to determine the role of this variant in disease. Therefore, it has been classified as a Variant of Uncertain Significance.